The following is an entry in ClinVar:

NM_001130004.2(ACTN1):c.1252C>T (p.Arg418Ter)

Gene: ACTN1 (actinin alpha 1; minus strand). Cytogenetic location: 14q24.1.
Variant type: single nucleotide variant.
Coding change: c.1252C>T on transcript NM_001130004.2 (MANE Select); coding-DNA position 1252, C replaced by T.
Protein change: p.Arg418Ter; replaces arginine 418 with a stop codon.
Molecular consequence: nonsense.
Genome position (GRCh38, 1-based): chr14:68,885,558, G>A on the plus strand (C>T on the coding strand, the complement: ACTN1 is on the minus strand). VCF-style: chr14-68885558-G-A. GRCh37 (hg19) VCF-style: chr14-69352275-G-A.
Other names: c.1252C>T, p.Arg418Ter (NM_001102.4, NM_001130005.2, NM_001424012.1 and 7 more transcripts); c.1276C>T, p.Arg426Ter (NM_001411035.1, NM_001424016.1); c.1057C>T, p.Arg353Ter (NM_001411036.1, NM_001424028.1, NM_001424026.1); c.1378C>T, p.Arg460Ter (NM_001424013.1); c.1339C>T, p.Arg447Ter (NM_001424015.1); c.427C>T, p.Arg143Ter (NM_001424030.1); c.1249C>T, p.Arg417Ter (NM_001424017.1); c.1213C>T, p.Arg405Ter (NM_001424018.1); and 2 more; short protein forms R353*, R417*, R418*, R143*, R405*, R397*, R447*, R460*.
Identifiers: ClinVar variation 2858314 (VCV002858314.3), dbSNP rs761473464, ClinGen allele CA390186009.

ClinVar aggregate classification (germline): Uncertain significance (1 of 4 stars; one submission).

gnomAD v4.1: 2 of 1,613,470 alleles (0.00012%); highest among the groups gnomAD compares: Non-Finnish European, 0.00017%; no homozygotes.

Submission:

Labcorp Genetics (formerly Invitae), Labcorp
Classification: Uncertain significance. Last evaluated: 2023-05-23. Review status: criteria provided, single submitter. Criteria: Invitae Variant Classification Sherloc (09022015). Collection method: clinical testing. Allele origin: germline.
Comment: In summary, the available evidence is currently insufficient to determine the role of this variant in disease. Therefore, it has been classified as a Variant of Uncertain Significance. This variant has not been reported in the literature in individuals affected with ACTN1-related conditions. This variant is not present in population databases (gnomAD no frequency). This sequence change creates a premature translational stop signal (p.Arg418*) in the ACTN1 gene. It is expected to result in an absent or disrupted protein product. However, the current clinical and genetic evidence is not sufficient to establish whether loss-of-function variants in ACTN1 cause disease.